The following is an entry in ClinVar:

ClinVar aggregate classification (germline): Uncertain significance (1 of 4 stars; one submission).

Conditions:
Inborn genetic diseases. Identifiers: MedGen C0950123, MeSH D030342.

Submission:

Ambry Genetics
Classification: Uncertain significance for Inborn genetic diseases. Last evaluated: 2025-02-14. Review status: criteria provided, single submitter. Criteria: Ambry Variant Classification Scheme 2023. Collection method: clinical testing. Allele origin: germline.
Comment: The p.Q1326H variant (also known as c.3978G>C), located in coding exon 40 of the FANCA gene, results from a G to C substitution at nucleotide position 3978. The glutamine at codon 1326 is replaced by histidine, an amino acid with highly similar properties. This amino acid position is conserved. In addition, this alteration is predicted to be tolerated by in silico analysis. Based on the available evidence, the clinical significance of this variant remains unclear.

NM_000135.4(FANCA):c.3978G>C (p.Gln1326His)

Genes: FANCA (FA complementation group A; minus strand), ZNF276 (zinc finger protein 276; plus strand). Cytogenetic location: 16q24.3.
Variant type: single nucleotide variant.
Coding change: c.3978G>C on transcript NM_000135.4 (MANE Select); coding-DNA position 3978, G replaced by C.
Protein change: p.Gln1326His; replaces glutamine 1326 with histidine.
Molecular consequence: missense variant. On other transcripts: 3 prime UTR variant (2), non-coding transcript variant (4).
Genome position (GRCh38, 1-based): chr16:89,739,510, C>G on the plus strand (G>C on the coding strand, the complement: FANCA is on the minus strand). VCF-style: chr16-89739510-C-G. GRCh37 (hg19) VCF-style: chr16-89805918-C-G.
Other names: c.3978G>C, p.Gln1326His (NM_001286167.3); c.*1264C>G (NM_001113525.2, NM_152287.4); short protein forms Q1326H.
Identifiers: ClinVar variation 3848231 (VCV003848231.1).